The following is an entry in ClinVar:

NM_020832.3(ZNF687):c.1673G>A (p.Arg558His)

Gene: ZNF687 (zinc finger protein 687; plus strand). Cytogenetic location: 1q21.3.
Variant type: single nucleotide variant.
Coding change: c.1673G>A on transcript NM_020832.3 (MANE Select); coding-DNA position 1673, G replaced by A.
Protein change: p.Arg558His; replaces arginine 558 with histidine.
Molecular consequence: missense variant.
Genome position (GRCh38, 1-based): chr1:151,287,964, G>A. VCF-style: chr1-151287964-G-A. GRCh37 (hg19) VCF-style: chr1-151260440-G-A.
Other names: c.1673G>A, p.Arg558His (NM_001304763.2, NM_001304764.2); short protein forms R558H.
Identifiers: ClinVar variation 1921269 (VCV001921269.5), dbSNP rs770970285, ClinGen allele CA1088371.

ClinVar aggregate classification (germline): Uncertain significance (1 of 4 stars; one submission).

Allele frequency attached by ClinVar (database versions not stated): gnomAD exomes 0.00001; ExAC 0.00002; gnomAD 0.00002; TOPMed 0.00003.
gnomAD v4.1: 19 of 1,613,720 alleles (0.0012%); highest among the groups gnomAD compares: Non-Finnish European, 0.00068%; no homozygotes.

Submission:

Labcorp Genetics (formerly Invitae), Labcorp
Classification: Uncertain significance. Last evaluated: 2025-08-19. Review status: criteria provided, single submitter. Criteria: Invitae Variant Classification Sherloc (09022015). Collection method: clinical testing. Allele origin: germline.
Comment: This sequence change replaces arginine, which is basic and polar, with histidine, which is basic and polar, at codon 558 of the ZNF687 protein (p.Arg558His). This variant is present in population databases (rs770970285, gnomAD 0.05%). This variant has not been reported in the literature in individuals affected with ZNF687-related conditions. ClinVar contains an entry for this variant (Variation ID: 1921269). An algorithm developed to predict the effect of missense changes on protein structure and function (PolyPhen-2) suggests that this variant is likely to be disruptive. In summary, the available evidence is currently insufficient to determine the role of this variant in disease. Therefore, it has been classified as a Variant of Uncertain Significance.